The following is an entry in ClinVar:

NM_170707.4(LMNA):c.726G>A (p.Ala242=)

Gene: LMNA (lamin A/C; plus strand). Cytogenetic location: 1q22.
Variant type: single nucleotide variant.
Coding change: c.726G>A on transcript NM_170707.4 (MANE Select); coding-DNA position 726, G replaced by A.
Protein change: p.Ala242=; no amino-acid change (alanine 242 retained).
Molecular consequence: synonymous variant.
Genome position (GRCh38, 1-based): chr1:156,134,891, G>A. VCF-style: chr1-156134891-G-A. GRCh37 (hg19) VCF-style: chr1-156104682-G-A.
Other names: c.390G>A, p.Ala130= (NM_001257374.3); c.483G>A, p.Ala161= (NM_001282624.2); c.726G>A, p.Ala242= (NM_001282625.2, NM_001282626.2, NM_005572.4 and 1 more transcripts).
Identifiers: ClinVar variation 281575 (VCV000281575.49), dbSNP rs763625309, ClinGen allele CA054216.

ClinVar aggregate classification (germline): Conflicting classifications of pathogenicity. Review status: criteria provided, conflicting classifications (1 of 4 stars). 8 submissions from 8 submitters: Uncertain significance (1); Likely benign (7). Last evaluated 2025-11-09.

Conditions:
Cardiovascular phenotype. Identifiers: MedGen CN230736.
Charcot-Marie-Tooth disease type 2. Also called: Charcot-Marie-Tooth type 2. Identifiers: Orphanet 64746, MedGen C0270914, MONDO:0018993.
Cardiomyopathy (CMYO). Also called: Cardiomyopathies. Identifiers: Orphanet 167848, MedGen C0878544, MONDO:0004994, HP:0001638. Inheritance: Various modes of inheritance.
Primary dilated cardiomyopathy (DCM). Also called: Dilated Cardiomyopathy. Identifiers: Orphanet 217604, MedGen C0007193, MeSH D002311, MONDO:0005021, HP:0001644. Inheritance: Various modes of inheritance.

Allele frequency attached by ClinVar (database versions not stated): TOPMed 0.00002; ExAC 0.00004; gnomAD 0.00004; gnomAD exomes 0.00004.
gnomAD v4.1: 66 of 1,614,112 alleles (0.0041%); highest among the groups gnomAD compares: African/African-American, 0.008%; no homozygotes.

Submissions (8):

Labcorp Genetics (formerly Invitae), Labcorp
Classification: Likely benign for Charcot-Marie-Tooth disease type 2. Last evaluated: 2025-11-09. Review status: criteria provided, single submitter. Criteria: Invitae Variant Classification Sherloc (09022015). Collection method: clinical testing. Allele origin: germline.

All of Us Research Program, National Institutes of Health
Classification: Likely benign for Primary dilated cardiomyopathy. Last evaluated: 2023-12-18. Review status: criteria provided, single submitter. Criteria: ACMG Guidelines, 2015. Collection method: clinical testing. Allele origin: germline. Inheritance: Autosomal dominant inheritance. Observed: 11 variant alleles, 11 heterozygotes.
Comment: This study involves interpretation of variants in research participants for the purpose of population health screening. Participant phenotype was not available at the time of variant classification. Additional details can be found in publication PMID: 35346344, PMCID: PMC8962531

CeGaT Center for Human Genetics Tuebingen
Classification: Likely benign. Last evaluated: 2022-08-01. Review status: criteria provided, single submitter. Criteria: CeGaT Center For Human Genetics Tuebingen Variant Classification Criteria Version 2. Collection method: clinical testing. Allele origin: germline. Affected: yes. Observed: 1 variant allele.
Comment: LMNA: BP4, BP7

Color Diagnostics, LLC DBA Color Health
Classification: Likely benign for Cardiomyopathy. Last evaluated: 2020-12-08. Review status: criteria provided, single submitter. Criteria: ACMG Guidelines, 2015. Collection method: clinical testing. Allele origin: germline.

Women's Health and Genetics/Laboratory Corporation of America, LabCorp
Classification: Likely benign. Last evaluated: 2019-08-28. Review status: criteria provided, single submitter. Criteria: LabCorp Variant Classification Summary - May 2015. Collection method: clinical testing. Allele origin: germline.

Ambry Genetics
Classification: Likely benign for Cardiovascular phenotype. Last evaluated: 2019-04-16. Review status: criteria provided, single submitter. Criteria: Ambry Variant Classification Scheme 2023. Collection method: clinical testing. Allele origin: germline.

GeneDx
Classification: Likely benign. Last evaluated: 2018-12-18. Review status: criteria provided, single submitter. Criteria: GeneDx Variant Classification Process June 2021. Collection method: clinical testing. Allele origin: germline. Affected: yes.

Eurofins Ntd Llc (ga)
Classification: Uncertain significance. Last evaluated: 2015-06-30. Review status: criteria provided, single submitter. Criteria: EGL Classification Definitions 2015. Collection method: clinical testing. Allele origin: germline. Observed: 2 variant alleles, 2 heterozygotes.